The following is an entry in ClinVar:

ClinVar aggregate classification (germline): Likely pathogenic. Review status: criteria provided, single submitter (1 of 4 stars). 2 submissions from 2 submitters: Likely pathogenic (1). 1 of the submissions does not count toward it. Last evaluated 2025-01-20.

Conditions:
Bilateral congenital or childhood onset cataracts.
Cataract 18 (CATC2). Also called: CATARACT 18, AUTOSOMAL RECESSIVE. Identifiers: Orphanet 91492, Orphanet 98991, Orphanet 98992, Orphanet 98995, MedGen C1864908, MONDO:0012395, OMIM 610019.

Allele frequency attached by ClinVar (database versions not stated): gnomAD exomes below 0.00001.
gnomAD v4.1: 2 of 1,614,134 alleles (0.00012%); highest among the groups gnomAD compares: South Asian, 0.0022%; no homozygotes.

Submissions (2):

North West Genomic Laboratory Hub, Manchester University NHS Foundation Trust
Classification: Likely pathogenic for Bilateral congenital or childhood onset cataracts. Last evaluated: 2025-01-20. Review status: criteria provided, single submitter. Criteria: ACGS Best Practice Guidelines for Variant Classification in Rare Disease 2024. Collection method: clinical testing. Allele origin: germline. Affected: yes.
Comment: PM2_Supp PM3_Mod PP4_Supp PP1_Str

OMIM
Classification: Pathogenic for CATARACT 18, AUTOSOMAL RECESSIVE. Last evaluated: 2011-06-10. Review status: no assertion criteria provided. Collection method: literature only. Allele origin: germline. Not counted in ClinVar's aggregate classification.

Literature cited by the submitters: PubMed 21636066 (cited by OMIM).

NM_024513.4(FYCO1):c.4127T>C (p.Leu1376Pro)

Gene: FYCO1 (FYVE and coiled-coil domain autophagy adaptor 1; minus strand). Cytogenetic location: 3p21.31.
Variant type: single nucleotide variant.
Coding change: c.4127T>C on transcript NM_024513.4 (MANE Select); coding-DNA position 4127, T replaced by C.
Protein change: p.Leu1376Pro; replaces leucine 1376 with proline.
Molecular consequence: missense variant.
Genome position (GRCh38, 1-based): chr3:45,931,195, A>G on the plus strand (T>C on the coding strand, the complement: FYCO1 is on the minus strand). VCF-style: chr3-45931195-A-G. GRCh37 (hg19) VCF-style: chr3-45972687-A-G.
Other names: short protein forms L1376P.
Identifiers: ClinVar variation 30649 (VCV000030649.2), dbSNP rs387906965, ClinGen allele CA214979.